The following is an entry in ClinVar:

NM_000059.4(BRCA2):c.6842-397G>A

Gene: BRCA2 (BRCA2 DNA repair associated; plus strand). Cytogenetic location: 13q13.1.
Variant type: single nucleotide variant.
Coding change: c.6842-397G>A on transcript NM_000059.4 (MANE Select); 397 bases into the intron before coding-DNA position 6842, G replaced by A.
Molecular consequence: intron variant.
Genome position (GRCh38, 1-based): chr13:32,344,161, G>A. VCF-style: chr13-32344161-G-A. GRCh37 (hg19) VCF-style: chr13-32918298-G-A.
Identifiers: ClinVar variation 264952 (VCV000264952.1), dbSNP rs566287780, ClinGen allele CA10588103.

ClinVar aggregate classification (germline): Benign (3 of 4 stars; one submission).

Conditions:
Breast-ovarian cancer, familial, susceptibility to, 2 (BROVCA2). Also called: BRCA2 Hereditary Breast and Ovarian Cancer. Identifiers: Orphanet 145, MedGen C2675520, MONDO:0012933, OMIM 612555. Disease mechanism: loss of function.

Allele frequency attached by ClinVar (database versions not stated): gnomAD 0.00063 and 0.00086; TOPMed 0.00071; 1000 Genomes Project 30x 0.00234; 1000 Genomes Project 0.00260.
gnomAD v4.1: 80 of 95,102 alleles (0.084%); highest among the groups gnomAD compares: East Asian, 1.8%; 1 homozygote.

Submission:

Evidence-based Network for the Interpretation of Germline Mutant Alleles (ENIGMA)
Classification: Benign for Breast-ovarian cancer, familial, susceptibility to, 2. Last evaluated: 2016-09-28. Review status: reviewed by expert panel. Criteria: ENIGMA BRCA1/2 Classification Criteria (2015). Collection method: curation. Allele origin: germline.
Comment: Class 1 not pathogenic based on frequency >1% in an outbred sampleset. Frequency 0.0129 (East Asian), derived from 1000 genomes (2013-05-02).